The following is an entry in ClinVar:

ClinVar aggregate classification (germline): not provided (0 of 4 stars; one submission).

Conditions:
Normal pregnancy. Identifiers: MedGen C0232989.

Submission:

Institute of Molecular and Cell Biology, University of Tartu
No classification provided. Condition: Normal pregnancy. Review status: no classification provided. Collection method: case-control. Allele origin: unknown. Affected: yes. Study: Kasak2014.
Comment: The study aimed to determine the contribution of copy number variants in the genetic etiology of normal and complicated pregnancies. The samples represented (i) maternal blood DNA drawn from healthy pregnant women during 1st or 2nd trimester and (ii) maternal and paternal blood DNA drawn at term pregnancy cases representing normal and complicated gestations (severe preeclampsia, PE; gestational diabetes, GD; small-for-gestational age newborn, SGA; large-for-gestational age newborn, LGA). We performed CNV calling based on genome-wide genotyping dataset (Illumina HumanOmniExpress-24-v1 BeadChip) by applying three algorithms, QuantiSNP, GADA (Genome Alteration Detection Algorithm) and CNstream in parallel. The acquired CNV calls were merged with HD-CNV (Hotspot Detector for Copy Number Variants) program and only the CNVs predicted by at least two programs, were considered in subsequent analysis.

Literature cited by the submitters: PubMed 25666259.

Single allele

Gene: LINC01722 (long intergenic non-protein coding RNA 1722; minus strand). Cytogenetic location: 20p12.1.
Variant type: Duplication.
Identifiers: ClinVar variation 157460 (VCV000157460.2).